The following is an entry in ClinVar:

NM_052867.4(NALCN):c.1640T>C (p.Met547Thr)

Gene: NALCN (sodium leak channel, non-selective; minus strand). Cytogenetic location: 13q33.1.
Variant type: single nucleotide variant.
Coding change: c.1640T>C on transcript NM_052867.4 (MANE Select); coding-DNA position 1640, T replaced by C.
Protein change: p.Met547Thr; replaces methionine 547 with threonine.
Molecular consequence: missense variant.
Genome position (GRCh38, 1-based): chr13:101,192,041, A>G on the plus strand (T>C on the coding strand, the complement: NALCN is on the minus strand). VCF-style: chr13-101192041-A-G. GRCh37 (hg19) VCF-style: chr13-101844392-A-G.
Other names: c.1640T>C, p.Met547Thr (NM_001350748.2, NM_001350749.2); c.1553T>C, p.Met518Thr (NM_001350750.2, NM_001350751.2); short protein forms M518T, M547T.
Identifiers: ClinVar variation 2430516 (VCV002430516.1), dbSNP rs2502771072, ClinGen allele CA388703641.

ClinVar aggregate classification (germline): Likely pathogenic (1 of 4 stars; one submission).

Submission:

GeneDx
Classification: Likely pathogenic. Last evaluated: 2022-09-13. Review status: criteria provided, single submitter. Criteria: GeneDx Variant Classification Process June 2021. Collection method: clinical testing. Allele origin: germline. Affected: yes.
Comment: Not observed at significant frequency in large population cohorts (gnomAD); In silico analysis supports that this missense variant has a deleterious effect on protein structure/function; Has not been previously published as pathogenic or benign to our knowledge